The following is an entry in ClinVar:

NM_014714.4(IFT140):c.1361A>C (p.Asp454Ala)

Genes: IFT140 (intraflagellar transport 140; minus strand), LOC105371046 (uncharacterized LOC105371046; plus strand). Cytogenetic location: 16p13.3.
Variant type: single nucleotide variant.
Coding change: c.1361A>C on transcript NM_014714.4 (MANE Select); coding-DNA position 1361, A replaced by C.
Protein change: p.Asp454Ala; replaces aspartic acid 454 with alanine.
Molecular consequence: missense variant.
Genome position (GRCh38, 1-based): chr16:1,583,385, T>G on the plus strand (A>C on the coding strand, the complement: IFT140 is on the minus strand). VCF-style: chr16-1583385-T-G. GRCh37 (hg19) VCF-style: chr16-1633386-T-G.
Other names: short protein forms D454A.
Identifiers: ClinVar variation 4621960 (VCV004621960.2).

ClinVar aggregate classification (germline): Uncertain significance. Review status: criteria provided, multiple submitters, no conflicts (2 of 4 stars). 2 submissions from 2 submitters: Uncertain significance (2). Last evaluated 2025-09-29.

Conditions:
Saldino-Mainzer syndrome (SRTD9). Also called: CONORENAL SYNDROME; Renal dysplasia, retinal pigmentary dystrophy, cerebellar ataxia and skeletal dysplasia; SHORT-RIB THORACIC DYSPLASIA 9 WITHOUT POLYDACTYLY; short-rib thoracic dysplasia 9 with or without polydactyly. Identifiers: Orphanet 140969, MedGen C1849437, MONDO:0009964, OMIM 266920.
Inborn genetic diseases. Identifiers: MedGen C0950123, MeSH D030342.

gnomAD v4.1: 6 of 1,613,976 alleles (0.00037%); highest among the groups gnomAD compares: Non-Finnish European, 0.00051%; no homozygotes.

Submissions (2):

Ambry Genetics
Classification: Uncertain significance for Inborn genetic diseases. Last evaluated: 2025-09-29. Review status: criteria provided, single submitter. Criteria: Ambry Variant Classification Scheme 2023. Collection method: clinical testing. Allele origin: germline.

Labcorp Genetics (formerly Invitae), Labcorp
Classification: Uncertain significance for Saldino-Mainzer syndrome. Last evaluated: 2025-09-21. Review status: criteria provided, single submitter. Criteria: Invitae Variant Classification Sherloc (09022015). Collection method: clinical testing. Allele origin: germline.
Comment: This sequence change replaces aspartic acid, which is acidic and polar, with alanine, which is neutral and non-polar, at codon 454 of the IFT140 protein (p.Asp454Ala). This variant is present in population databases (rs376263938, gnomAD 0.003%). This variant has not been reported in the literature in individuals affected with IFT140-related conditions. An algorithm developed to predict the effect of missense changes on protein structure and function (PolyPhen-2) suggests that this variant is likely to be disruptive. In summary, the available evidence is currently insufficient to determine the role of this variant in disease. Therefore, it has been classified as a Variant of Uncertain Significance.